The following is an entry in ClinVar:

ClinVar aggregate classification (germline): Uncertain significance (1 of 4 stars; one submission).

Conditions:
Progressive sclerosing poliodystrophy (MTDPS4A). Also called: ALPERS PROGRESSIVE INFANTILE POLIODYSTROPHY; NEURONAL DEGENERATION OF CHILDHOOD WITH LIVER DISEASE, PROGRESSIVE; Mitochondrial DNA Depletion Syndrome 4A; Alpers Syndrome; ALPERS DIFFUSE DEGENERATION OF CEREBRAL GRAY MATTER WITH HEPATIC CIRRHOSIS; Alpers-Huttenlocher Syndrome. Identifiers: Orphanet 726, MedGen C0205710, MONDO:0008758, OMIM 203700.

Submission:

Labcorp Genetics (formerly Invitae), Labcorp
Classification: Uncertain significance for Progressive sclerosing poliodystrophy. Last evaluated: 2025-06-09. Review status: criteria provided, single submitter. Criteria: Invitae Variant Classification Sherloc (09022015). Collection method: clinical testing. Allele origin: germline.
Comment: This sequence change replaces arginine, which is basic and polar, with leucine, which is neutral and non-polar, at codon 617 of the POLG protein (p.Arg617Leu). This variant is not present in population databases (gnomAD no frequency). This variant has not been reported in the literature in individuals affected with POLG-related conditions. Invitae Evidence Modeling of protein sequence and biophysical properties (such as structural, functional, and spatial information, amino acid conservation, physicochemical variation, residue mobility, and thermodynamic stability) indicates that this missense variant is not expected to disrupt POLG protein function with a negative predictive value of 95%. In summary, the available evidence is currently insufficient to determine the role of this variant in disease. Therefore, it has been classified as a Variant of Uncertain Significance.

NM_002693.3(POLG):c.1850G>T (p.Arg617Leu)

Gene: POLG (DNA polymerase gamma, catalytic subunit; minus strand). Cytogenetic location: 15q26.1.
Variant type: single nucleotide variant.
Coding change: c.1850G>T on transcript NM_002693.3 (MANE Select); coding-DNA position 1850, G replaced by T.
Protein change: p.Arg617Leu; replaces arginine 617 with leucine.
Molecular consequence: missense variant.
Genome position (GRCh38, 1-based): chr15:89,325,549, C>A on the plus strand (G>T on the coding strand, the complement: POLG is on the minus strand). VCF-style: chr15-89325549-C-A. GRCh37 (hg19) VCF-style: chr15-89868780-C-A.
Other names: c.1850G>T, p.Arg617Leu (NM_001126131.2); short protein forms R617L.
Identifiers: ClinVar variation 4802416 (VCV004802416.1).